The following is an entry in ClinVar:

ClinVar aggregate classification (germline): Uncertain significance. Review status: criteria provided, multiple submitters, no conflicts (2 of 4 stars). 2 submissions from 2 submitters: Uncertain significance (2). Last evaluated 2025-02-27.

Conditions:
DICER1-related tumor predisposition. Also called: DICER1-related pleuropulmonary blastoma cancer predisposition syndrome; DICER1 syndrome. Identifiers: Orphanet 284343, MedGen C3839822, MONDO:0100216.
Hereditary cancer-predisposing syndrome. Also called: Hereditary Cancer Syndrome; Neoplastic Syndromes, Hereditary; Hereditary neoplastic syndrome; Tumor predisposition. Identifiers: Orphanet 140162, MedGen C0027672, MeSH D009386, MONDO:0015356.

Submissions (2):

Ambry Genetics
Classification: Uncertain significance for Hereditary cancer-predisposing syndrome. Last evaluated: 2025-02-27. Review status: criteria provided, single submitter. Criteria: Ambry Variant Classification Scheme 2023. Collection method: clinical testing. Allele origin: germline.
Comment: The p.L352I variant (also known as c.1054C>A), located in coding exon 7 of the DICER1 gene, results from a C to A substitution at nucleotide position 1054. The leucine at codon 352 is replaced by isoleucine, an amino acid with highly similar properties. This amino acid position is highly conserved in available vertebrate species. In addition, this alteration is predicted to be tolerated by in silico analysis. Based on the available evidence, the clinical significance of this variant remains unclear.

Labcorp Genetics (formerly Invitae), Labcorp
Classification: Uncertain significance for DICER1-related tumor predisposition. Last evaluated: 2022-04-13. Review status: criteria provided, single submitter. Criteria: Invitae Variant Classification Sherloc (09022015). Collection method: clinical testing. Allele origin: germline.
Comment: This variant has not been reported in the literature in individuals affected with DICER1-related conditions. This sequence change replaces leucine, which is neutral and non-polar, with isoleucine, which is neutral and non-polar, at codon 352 of the DICER1 protein (p.Leu352Ile). This variant is not present in population databases (gnomAD no frequency). ClinVar contains an entry for this variant (Variation ID: 822087). Algorithms developed to predict the effect of missense changes on protein structure and function are either unavailable or do not agree on the potential impact of this missense change (SIFT: "Deleterious"; PolyPhen-2: "Probably Damaging"; Align-GVGD: "Class C0"). In summary, the available evidence is currently insufficient to determine the role of this variant in disease. Therefore, it has been classified as a Variant of Uncertain Significance.

NM_177438.3(DICER1):c.1054C>A (p.Leu352Ile)

Gene: DICER1 (dicer 1, ribonuclease III; minus strand). Cytogenetic location: 14q32.13.
Variant type: single nucleotide variant.
Coding change: c.1054C>A on transcript NM_177438.3 (MANE Select); coding-DNA position 1054, C replaced by A.
Protein change: p.Leu352Ile; replaces leucine 352 with isoleucine.
Molecular consequence: missense variant.
Genome position (GRCh38, 1-based): chr14:95,124,518, G>T on the plus strand (C>A on the coding strand, the complement: DICER1 is on the minus strand). VCF-style: chr14-95124518-G-T. GRCh37 (hg19) VCF-style: chr14-95590855-G-T.
Other names: c.1054C>A, p.Leu352Ile (NM_001195573.1, NM_001271282.3, NM_001291628.2 and 1 more transcripts); short protein forms L352I.
Identifiers: ClinVar variation 822087 (VCV000822087.12), dbSNP rs1445685499, ClinGen allele CA390887062.